The following is an entry in ClinVar:

NM_032578.4(MYPN):c.3609C>A (p.Phe1203Leu)

Gene: MYPN (myopalladin; plus strand). Cytogenetic location: 10q21.3.
Variant type: single nucleotide variant.
Coding change: c.3609C>A on transcript NM_032578.4 (MANE Select); coding-DNA position 3609, C replaced by A.
Protein change: p.Phe1203Leu; replaces phenylalanine 1203 with leucine.
Molecular consequence: missense variant. On other transcripts: non-coding transcript variant (2).
Genome position (GRCh38, 1-based): chr10:68,201,944, C>A. VCF-style: chr10-68201944-C-A. GRCh37 (hg19) VCF-style: chr10-69961701-C-A.
Other names: c.3609C>A, p.Phe1203Leu (NM_001256267.2); c.2727C>A, p.Phe909Leu (NM_001256268.2); short protein forms F1203L, F909L.
Identifiers: ClinVar variation 1060874 (VCV001060874.9), dbSNP rs2134311623, ClinGen allele CA376860209.

ClinVar aggregate classification (germline): Uncertain significance (1 of 4 stars; one submission).

Conditions:
Dilated cardiomyopathy 1KK (CMD1KK). Identifiers: Orphanet 154, Orphanet 75249, MedGen C3714995, MONDO:0014100, OMIM 615248.

Allele frequency attached by ClinVar (database versions not stated): gnomAD exomes below 0.00001.
gnomAD v4.1: 1 of 1,614,110 alleles (0.000062%); highest among the groups gnomAD compares: Non-Finnish European, 0.000085%; no homozygotes.

Submission:

Labcorp Genetics (formerly Invitae), Labcorp
Classification: Uncertain significance for Dilated cardiomyopathy 1KK. Last evaluated: 2020-05-13. Review status: criteria provided, single submitter. Criteria: Invitae Variant Classification Sherloc (09022015). Collection method: clinical testing. Allele origin: germline.
Comment: This variant has not been reported in the literature in individuals with MYPN-related conditions. This variant is not present in population databases (ExAC no frequency). This sequence change replaces phenylalanine with leucine at codon 1203 of the MYPN protein (p.Phe1203Leu). The phenylalanine residue is moderately conserved and there is a small physicochemical difference between phenylalanine and leucine. Algorithms developed to predict the effect of missense changes on protein structure and function are either unavailable or do not agree on the potential impact of this missense change (SIFT: "Tolerated"; PolyPhen-2: "Possibly Damaging"; Align-GVGD: "Class C0"). In summary, the available evidence is currently insufficient to determine the role of this variant in disease. Therefore, it has been classified as a Variant of Uncertain Significance.